The following is an entry in ClinVar:

NM_001166114.2(PNPLA6):c.1431G>A (p.Ser477=)

Gene: PNPLA6 (patatin like domain 6, lysophospholipase; plus strand). Cytogenetic location: 19p13.2.
Variant type: single nucleotide variant.
Coding change: c.1431G>A on transcript NM_001166114.2 (MANE Select); coding-DNA position 1431, G replaced by A.
Protein change: p.Ser477=; no amino-acid change (serine 477 retained).
Molecular consequence: synonymous variant.
Genome position (GRCh38, 1-based): chr19:7,542,829, G>A. VCF-style: chr19-7542829-G-A. GRCh37 (hg19) VCF-style: chr19-7607715-G-A.
Other names: c.1458G>A, p.Ser486= (NM_001166111.2); c.1314G>A, p.Ser438= (NM_001166112.2, NM_001166113.1, NM_006702.5).
Identifiers: ClinVar variation 2723368 (VCV002723368.16), dbSNP rs773018957, ClinGen allele CA9139814.
Genomic context (GRCh38, chr19:7,542,829, plus strand): 5'-TCAGGAGCCTCGTGAGCAGCCGGCAGGCGCCTGTGAATACAGCTACTGTGAGGATGAGTC[G>A]GCCACTGGTGGCTGCCCTTTCGGGCCCTACCAGGGCCGCCAGACCAGCAGCATCTTCGAG-3'
Protein context (NP_001159586.1, residues 467-487): ACEYSYCEDE[Ser477=]ATGGCPFGPY

ClinVar aggregate classification (germline): Likely benign. Review status: criteria provided, multiple submitters, no conflicts (2 of 4 stars). 2 submissions from 2 submitters: Likely benign (2). Last evaluated 2025-10-02.

Conditions:
Hereditary spastic paraplegia 39 (SPG39). Also called: SPASTIC PARAPLEGIA 39, AUTOSOMAL RECESSIVE; Spastic Paraplegia Type 39 (SPG39). Identifiers: Orphanet 139480, MedGen C2677586, MONDO:0012787, OMIM 612020.

Allele frequency attached by ClinVar (database versions not stated): ExAC 0.00001.
gnomAD v4.1: 17 of 1,612,958 alleles (0.0011%); highest among the groups gnomAD compares: East Asian, 0.0045%; no homozygotes.

Submissions (2):

Labcorp Genetics (formerly Invitae), Labcorp
Classification: Likely benign for Hereditary spastic paraplegia 39. Last evaluated: 2025-10-02. Review status: criteria provided, single submitter. Criteria: Invitae Variant Classification Sherloc (09022015). Collection method: clinical testing. Allele origin: germline.

CeGaT Center for Human Genetics Tuebingen
Classification: Likely benign. Last evaluated: 2025-01-01. Review status: criteria provided, single submitter. Criteria: CeGaT Center For Human Genetics Tuebingen Variant Classification Criteria Version 2. Collection method: clinical testing. Allele origin: germline. Affected: yes. Observed: 1 variant allele.
Comment: PNPLA6: BP4, BP7